The following is an entry in ClinVar:

ClinVar aggregate classification (germline): Pathogenic/Likely pathogenic. Review status: criteria provided, multiple submitters, no conflicts (2 of 4 stars). 15 submissions from 15 submitters: Pathogenic (9); Likely pathogenic (3). 3 of the submissions do not count toward it. Last evaluated 2026-06-12.

Conditions:
RNASEH2A-related disorder. Also called: RNASEH2A-related condition.
Inborn genetic diseases. Identifiers: MedGen C0950123, MeSH D030342.
Aicardi Goutieres syndrome (AGS). Also called: Encephalopathy, familial infantile, with calcification of basal ganglia and chronic cerebrospinal fluid lymphocytosis. Identifiers: Orphanet 51, MedGen C0393591, MONDO:0018866.
Aicardi-Goutieres syndrome 4. Identifiers: Orphanet 51, MedGen C1835912, MONDO:0012472, OMIM 610333.

Allele frequency attached by ClinVar (database versions not stated): gnomAD exomes below 0.00001 and 0.00001; ExAC 0.00001.
gnomAD v4.1: 8 of 1,614,162 alleles (0.0005%); highest among the groups gnomAD compares: Middle Eastern, 0.016%; no homozygotes.

Submissions (15):

PreventionGenetics, part of Exact Sciences
Classification: Pathogenic for RNASEH2A-related condition. Last evaluated: 2026-06-12. Review status: criteria provided, single submitter. Criteria: ACMG Guidelines, 2015. Collection method: clinical testing. Allele origin: germline.
Comment: The RNASEH2A c.557G>A variant is predicted to result in the amino acid substitution p.Arg186Gln. This variant has been reported many times in both the homozygous and compound heterozygous states in individuals with Aicardi-Goutieres syndrome (see for examples, Abe et al. 2014. PubMed ID: 24300241; Al Mutairi et al. 2017. PubMed ID: 29239743; Table S1, Monies et al. 2019. PubMed ID: 31130284; Saleh et al. 2021. PubMed ID: 34374989). This variant is reported in 0.00088% of alleles in individuals of European (Non-Finnish) descent in gnomAD. This variant has been classified as pathogenic or likely pathogenic by multiple independent submitters to the ClinVar database (Variation ID: 445579). Given the evidence, we interpret this variant as pathogenic.

Women's Health and Genetics/Laboratory Corporation of America, LabCorp
Classification: Pathogenic for Aicardi Goutieres syndrome. Last evaluated: 2025-05-14. Review status: criteria provided, single submitter. Criteria: LabCorp Variant Classification Summary - May 2015. Collection method: clinical testing. Allele origin: germline.
Comment: Variant summary: RNASEH2A c.557G>A (p.Arg186Gln) results in a conservative amino acid change in the encoded protein sequence. Algorithms developed to predict the effect of missense changes on protein structure and function are either unavailable or do not agree on the potential impact of this missense change. The variant allele was found at a frequency of 4e-06 in 251488 control chromosomes (gnomAD). c.557G>A has been observed in multiple individuals affected with Aicardi Goutieres Syndrome (e.g. Abe_2014, AlMutairi_2018). These data indicate that the variant is very likely to be associated with disease. A different variant affecting the same codon has been classified as likely pathogenic/pathogenic by our lab (c.556C>T, p.Arg186Trp), supporting the critical relevance of codon 186 to RNASEH2A protein function. To our knowledge, no experimental evidence demonstrating an impact on protein function has been reported. The following publications have been ascertained in the context of this evaluation (PMID: 24300241, 29239743). ClinVar contains an entry for this variant (Variation ID: 445579). Based on the evidence outlined above, the variant was classified as pathogenic.

Dubai Health Genomic Medicine Center, Dubai Health
Classification: Likely pathogenic for Aicardi-Goutieres syndrome 4. Last evaluated: 2024-10-04. Review status: criteria provided, single submitter. Criteria: ACMG Guidelines, 2015. Collection method: research. Allele origin: germline. Affected: yes.
Comment: PM3(strong),PM2,PP3,PP1,PM5

Genomic Medicine Center of Excellence, King Faisal Specialist Hospital and Research Centre
Classification: Pathogenic for Aicardi-Goutieres syndrome 4. Last evaluated: 2024-03-14. Review status: criteria provided, single submitter. Criteria: ACMG Guidelines, 2015. Collection method: research. Allele origin: germline.

Labcorp Genetics (formerly Invitae), Labcorp
Classification: Pathogenic for Aicardi-Goutieres syndrome 4. Last evaluated: 2024-02-14. Review status: criteria provided, single submitter. Criteria: Invitae Variant Classification Sherloc (09022015). Collection method: clinical testing. Allele origin: germline.
Comment: This sequence change replaces arginine, which is basic and polar, with glutamine, which is neutral and polar, at codon 186 of the RNASEH2A protein (p.Arg186Gln). This variant is present in population databases (rs753679297, gnomAD 0.0009%). This missense change has been observed in individuals with Aicardi-Goutieres syndrome (PMID: 24300241, 29239743). ClinVar contains an entry for this variant (Variation ID: 445579). Advanced modeling of protein sequence and biophysical properties (such as structural, functional, and spatial information, amino acid conservation, physicochemical variation, residue mobility, and thermodynamic stability) performed at Invitae indicates that this missense variant is expected to disrupt RNASEH2A protein function with a positive predictive value of 80%. For these reasons, this variant has been classified as Pathogenic.

Blueprint Genetics
Classification: Pathogenic for RNASEH2A-related disorders. Last evaluated: 2023-01-31. Review status: criteria provided, single submitter. Criteria: ACMG Guidelines, 2015. Collection method: clinical testing. Allele origin: germline. Affected: yes. Observed: 5 variant alleles.

Laboratory of Medical Genetics, National & Kapodistrian University of Athens
Classification: Pathogenic for Aicardi-Goutieres syndrome 4. Last evaluated: 2022-11-04. Review status: criteria provided, single submitter. Criteria: ACMG Guidelines, 2015. Collection method: clinical testing. Allele origin: germline. Affected: yes.
Comment: PM2, PM5, PP3, PP5

GeneDx
Classification: Pathogenic. Last evaluated: 2022-10-07. Review status: criteria provided, single submitter. Criteria: GeneDx Variant Classification Process June 2021. Collection method: clinical testing. Allele origin: germline. Affected: yes.
Comment: Observed with a second RNASEH2A variant, phase unknown, in an individual with Aicardi-Goutieres syndrome (Abe et al., 2014); In silico analysis supports that this missense variant has a deleterious effect on protein structure/function; Not observed at significant frequency in large population cohorts (gnomAD); This variant is associated with the following publications: (PMID: 29239743, 34374989, 31130284, 24300241, 36065636)

Ambry Genetics
Classification: Pathogenic for Inborn genetic diseases. Last evaluated: 2022-03-02. Review status: criteria provided, single submitter. Criteria: Ambry Variant Classification Scheme 2023. Collection method: clinical testing. Allele origin: germline.
Comment: The c.557G>A (p.R186Q) alteration is located in exon 6 (coding exon 6) of the RNASEH2A gene. This alteration results from a G to A substitution at nucleotide position 557, causing the arginine (R) at amino acid position 186 to be replaced by a glutamine (Q). Based on data from gnomAD, the A allele has an overall frequency of <0.01% (1/251488) total alleles studied. This variant has been reported in the homozygous and compound heterozygous state in patients with features of Aicardi-Gouti&egrave;res syndrome (Abe, 2014; Al Mutairi, 2018; Monies, 2017; Monies, 2019). This amino acid position is highly conserved in available vertebrate species. This alteration is predicted to be deleterious by in silico analysis. Based on the available evidence, this alteration is classified as pathogenic.

Baylor Genetics
Classification: Pathogenic for Aicardi-Goutieres syndrome 4. Last evaluated: 2020-02-12. Review status: criteria provided, single submitter. Criteria: ACMG Guidelines, 2015. Collection method: clinical testing. Allele origin: unknown. Affected: yes.
Comment: This variant was determined to be pathogenic according to ACMG Guidelines, 2015 [PMID:25741868].

Fulgent Genetics
Classification: Likely pathogenic for Aicardi-Goutieres syndrome 4. Last evaluated: 2018-10-31. Review status: criteria provided, single submitter. Criteria: ACMG Guidelines, 2015. Collection method: clinical testing. Allele origin: unknown.

Center for Pediatric Genomic Medicine, Children's Mercy Hospital and Clinics
Classification: Likely pathogenic. Last evaluated: 2017-05-04. Review status: criteria provided, single submitter. Criteria: ACMG Guidelines, 2015. Collection method: clinical testing. Allele origin: germline.

Biochemical Molecular Genetic Laboratory, King Abdulaziz Medical City
Classification: Pathogenic for Aicardi-Goutieres syndrome 4. Last evaluated: 2019-09-26. Review status: no assertion criteria provided. Collection method: clinical testing. Allele origin: germline. Affected: yes. Not counted in ClinVar's aggregate classification.

Clinical Genetics DNA and cytogenetics Diagnostics Lab, Erasmus MC, Erasmus Medical Center
Classification: Likely pathogenic. Review status: no assertion criteria provided. Collection method: clinical testing. Allele origin: germline. Affected: yes. Study: VKGL Data-share Consensus. Not counted in ClinVar's aggregate classification.

Joint Genome Diagnostic Labs from Nijmegen and Maastricht, Radboudumc and MUMC+
Classification: Likely pathogenic. Review status: no assertion criteria provided. Collection method: clinical testing. Allele origin: germline. Affected: yes. Study: VKGL Data-share Consensus. Not counted in ClinVar's aggregate classification.

Literature cited by the submitters: PubMed 29239743 (cited by 3 submitters); PubMed 24300241 (cited by 3 submitters); PubMed 28600779 (cited by Ambry Genetics); PubMed 31130284 (cited by Ambry Genetics).

NM_006397.3(RNASEH2A):c.557G>A (p.Arg186Gln)

Gene: RNASEH2A (ribonuclease H2 subunit A; plus strand). Cytogenetic location: 19p13.13.
Variant type: single nucleotide variant.
Coding change: c.557G>A on transcript NM_006397.3 (MANE Select); coding-DNA position 557, G replaced by A.
Protein change: p.Arg186Gln; replaces arginine 186 with glutamine.
Molecular consequence: missense variant.
Genome position (GRCh38, 1-based): chr19:12,810,324, G>A. VCF-style: chr19-12810324-G-A. GRCh37 (hg19) VCF-style: chr19-12921138-G-A.
Other names: short protein forms R186Q.
Identifiers: ClinVar variation 445579 (VCV000445579.27), dbSNP rs753679297, ClinGen allele CA9231955.